The following is an entry in ClinVar:

ClinVar aggregate classification (germline): Benign/Likely benign. Review status: criteria provided, multiple submitters, no conflicts (2 of 4 stars). 6 submissions from 6 submitters: Benign (1); Likely benign (5). Last evaluated 2026-01-17.

Conditions:
Hereditary cancer-predisposing syndrome. Also called: Neoplastic Syndromes, Hereditary; Tumor predisposition; Hereditary neoplastic syndrome; Hereditary Cancer Syndrome. Identifiers: Orphanet 140162, MedGen C0027672, MeSH D009386, MONDO:0015356.
Multiple endocrine neoplasia, type 1 (MEN1). Also called: MEN I; WERMER SYNDROME; Endocrine adenomatosis multiple; MEN 1; MEA I. Identifiers: Orphanet 652, MedGen C0025267, MeSH D018761, MONDO:0007540, OMIM 131100.

Allele frequency attached by ClinVar (database versions not stated): TOPMed below 0.00001; gnomAD 0.00001; ExAC 0.00003.
gnomAD v4.1: 6 of 1,596,666 alleles (0.00038%); highest among the groups gnomAD compares: Non-Finnish European, 0.00043%; no homozygotes.

Submissions (6):

Labcorp Genetics (formerly Invitae), Labcorp
Classification: Likely benign for Multiple endocrine neoplasia, type 1. Last evaluated: 2026-01-17. Review status: criteria provided, single submitter. Criteria: Invitae Variant Classification Sherloc (09022015). Collection method: clinical testing. Allele origin: germline.

Myriad Genetics, Inc.
Classification: Benign for Multiple endocrine neoplasia, type 1. Last evaluated: 2024-10-31. Review status: criteria provided, single submitter. Criteria: Myriad Autosomal Dominant, Autosomal Recessive and X-Linked Classification Criteria (2023). Collection method: clinical testing. Allele origin: unknown.
Comment: This variant is considered benign. This variant is a silent/synonymous amino acid change and it is not expected to impact splicing.

All of Us Research Program, National Institutes of Health
Classification: Likely benign for Multiple endocrine neoplasia, type 1. Last evaluated: 2023-04-03. Review status: criteria provided, single submitter. Criteria: ACMG Guidelines, 2015. Collection method: clinical testing. Allele origin: germline. Inheritance: Autosomal dominant inheritance. Observed: 1 variant allele, 1 heterozygote.
Comment: This study involves interpretation of variants in research participants for the purpose of population health screening. Participant phenotype was not available at the time of variant classification. Additional details can be found in publication PMID: 35346344, PMCID: PMC8962531

CeGaT Center for Human Genetics Tuebingen
Classification: Likely benign. Last evaluated: 2023-04-01. Review status: criteria provided, single submitter. Criteria: CeGaT Center For Human Genetics Tuebingen Variant Classification Criteria Version 2. Collection method: clinical testing. Allele origin: germline. Affected: yes. Observed: 1 variant allele.
Comment: MEN1: BP4, BP7

Color Diagnostics, LLC DBA Color Health
Classification: Likely benign for Multiple endocrine neoplasia, type 1. Last evaluated: 2022-10-20. Review status: criteria provided, single submitter. Criteria: ACMG Guidelines, 2015. Collection method: clinical testing. Allele origin: germline.

Ambry Genetics
Classification: Likely benign for Hereditary cancer-predisposing syndrome. Last evaluated: 2021-05-24. Review status: criteria provided, single submitter. Criteria: Ambry Variant Classification Scheme 2023. Collection method: clinical testing. Allele origin: germline.

NM_001370259.2(MEN1):c.219C>T (p.Gly73=)

Gene: MEN1 (menin 1; minus strand). Cytogenetic location: 11q13.1.
Variant type: single nucleotide variant.
Coding change: c.219C>T on transcript NM_001370259.2 (MANE Select); coding-DNA position 219, C replaced by T.
Protein change: p.Gly73=; no amino-acid change (glycine 73 retained).
Molecular consequence: synonymous variant.
Genome position (GRCh38, 1-based): chr11:64,809,891, G>A on the plus strand (C>T on the coding strand, the complement: MEN1 is on the minus strand). VCF-style: chr11-64809891-G-A. GRCh37 (hg19) VCF-style: chr11-64577363-G-A.
Other names: c.219C>T, p.Gly73= (NM_000244.4, NM_001370251.2, NM_001370260.2 and 9 more transcripts).
Identifiers: ClinVar variation 1109843 (VCV001109843.38), dbSNP rs758434243, ClinGen allele CA061010.